The following is an entry in ClinVar:

NM_015915.5(ATL1):c.1355T>C (p.Phe452Ser)

Gene: ATL1 (atlastin GTPase 1; plus strand). Cytogenetic location: 14q22.1.
Variant type: single nucleotide variant.
Coding change: c.1355T>C on transcript NM_015915.5 (MANE Select); coding-DNA position 1355, T replaced by C.
Protein change: p.Phe452Ser; replaces phenylalanine 452 with serine.
Molecular consequence: missense variant.
Genome position (GRCh38, 1-based): chr14:50,628,266, T>C. VCF-style: chr14-50628266-T-C. GRCh37 (hg19) VCF-style: chr14-51094984-T-C.
Other names: c.1355T>C, p.Phe452Ser (NM_001127713.1, NM_181598.4); short protein forms F452S.
Identifiers: ClinVar variation 857576 (VCV000857576.12), dbSNP rs759126910, ClinGen allele CA7180472.
Genomic context (GRCh38, chr14:50,628,266, plus strand): 5'-ATATCAAGCACAATGATAGCAAAAATATCTTCCATGCAGCTCGTACCCCAGCCACACTGT[T>C]TGTAGTCATCTTTATCACATATGTGATTGCTGGTGTGACTGGATTCATTGGTTTGGACAT-3'
Protein context (NP_056999.2, residues 442-462): FHAARTPATL[Phe452Ser]VVIFITYVIA

ClinVar aggregate classification (germline): Uncertain significance. Review status: criteria provided, multiple submitters, no conflicts (2 of 4 stars). 4 submissions from 4 submitters: Uncertain significance (4). Last evaluated 2024-02-25.

Conditions:
Hereditary spastic paraplegia 3A (SPG3A). Also called: SPASTIC PARAPLEGIA 3, AUTOSOMAL DOMINANT; FAMILIAL SPASTIC PARAPLEGIA, AUTOSOMAL DOMINANT, 1; SPG3; STRUMPELL DISEASE; Spastic Paraplegia 3A; Spastic paraplegia 3A, autosomal dominant. Identifiers: Orphanet 100984, MedGen C2931355, MONDO:0008437, OMIM 182600.
Neuropathy, hereditary sensory, type 1D. Identifiers: Orphanet 36386, MedGen C3150972, MONDO:0013381, OMIM 613708.

Allele frequency attached by ClinVar (database versions not stated): ExAC 0.00001; gnomAD exomes 0.00001 and 0.00003; gnomAD 0.00004; TOPMed 0.00004.
gnomAD v4.1: 44 of 1,614,020 alleles (0.0027%); highest among the groups gnomAD compares: East Asian, 0.013%; no homozygotes.

Submissions (4):

Labcorp Genetics (formerly Invitae), Labcorp
Classification: Uncertain significance for Hereditary spastic paraplegia 3A. Last evaluated: 2024-02-25. Review status: criteria provided, single submitter. Criteria: Invitae Variant Classification Sherloc (09022015). Collection method: clinical testing. Allele origin: germline.
Comment: This sequence change replaces phenylalanine, which is neutral and non-polar, with serine, which is neutral and polar, at codon 452 of the ATL1 protein (p.Phe452Ser). This variant is present in population databases (rs759126910, gnomAD 0.01%). This variant has not been reported in the literature in individuals affected with ATL1-related conditions. ClinVar contains an entry for this variant (Variation ID: 857576). An algorithm developed to predict the effect of missense changes on protein structure and function (PolyPhen-2) suggests that this variant is likely to be tolerated. In summary, the available evidence is currently insufficient to determine the role of this variant in disease. Therefore, it has been classified as a Variant of Uncertain Significance.

Fulgent Genetics
Classification: Uncertain significance for Hereditary spastic paraplegia 3A; Neuropathy, hereditary sensory, type 1D. Last evaluated: 2024-01-15. Review status: criteria provided, single submitter. Criteria: ACMG Guidelines, 2015. Collection method: clinical testing. Allele origin: germline.

GeneDx
Classification: Uncertain significance. Last evaluated: 2022-10-31. Review status: criteria provided, single submitter. Criteria: GeneDx Variant Classification Process June 2021. Collection method: clinical testing. Allele origin: germline. Affected: yes.
Comment: In silico analysis supports that this missense variant has a deleterious effect on protein structure/function; Has not been previously published as pathogenic or benign to our knowledge

Blueprint Genetics
Classification: Uncertain significance. Last evaluated: 2021-05-14. Review status: criteria provided, single submitter. Criteria: ACMG Guidelines, 2015. Collection method: clinical testing. Allele origin: germline.